The following is an entry in ClinVar:

NM_001330260.2(SCN8A):c.3356C>T (p.Pro1119Leu)

Gene: SCN8A (sodium voltage-gated channel alpha subunit 8; plus strand). Cytogenetic location: 12q13.13.
Variant type: single nucleotide variant.
Coding change: c.3356C>T on transcript NM_001330260.2 (MANE Select); coding-DNA position 3356, C replaced by T.
Protein change: p.Pro1119Leu; replaces proline 1119 with leucine.
Molecular consequence: missense variant.
Genome position (GRCh38, 1-based): chr12:51,769,319, C>T. VCF-style: chr12-51769319-C-T. GRCh37 (hg19) VCF-style: chr12-52163103-C-T.
Other names: p.P1119L:CCT>CTT; c.3356C>T (NM_014191.2); c.3356C>T, p.Pro1119Leu (NM_001177984.3, NM_001369788.1, NM_014191.4); short protein forms P1119L.
Identifiers: ClinVar variation 207112 (VCV000207112.17), dbSNP rs372096102, ClinGen allele CA318262.

ClinVar aggregate classification (germline): Uncertain significance. Review status: criteria provided, multiple submitters, no conflicts (2 of 4 stars). 6 submissions from 6 submitters: Uncertain significance (6). Last evaluated 2024-04-10.

Conditions:
Early-infantile DEE. Also called: Early infantile epileptic encephalopathy; Ohtahara syndrome; Early infantile epileptic encephalopathy with suppression bursts. Identifiers: Orphanet 1934, MedGen C0393706, MONDO:0800491.
SCN8A-related disorder.
Inborn genetic diseases. Identifiers: MedGen C0950123, MeSH D030342.
Hereditary ataxia. Also called: Hereditary Ataxias. Identifiers: Orphanet 183518, MedGen C0004138, MONDO:0100309, MONDO:0000557.

Allele frequency attached by ClinVar (database versions not stated): ExAC 0.00001; gnomAD 0.00001; TOPMed 0.00002; gnomAD exomes 0.00003; ESP Exome Variant Server 0.00008.
gnomAD v4.1: 50 of 1,588,602 alleles (0.0031%); highest among the groups gnomAD compares: Non-Finnish European, 0.0042%; no homozygotes.

Submissions (6):

Labcorp Genetics (formerly Invitae), Labcorp
Classification: Uncertain significance for Early-infantile DEE. Last evaluated: 2024-04-10. Review status: criteria provided, single submitter. Criteria: Invitae Variant Classification Sherloc (09022015). Collection method: clinical testing. Allele origin: germline.
Comment: This sequence change replaces proline, which is neutral and non-polar, with leucine, which is neutral and non-polar, at codon 1119 of the SCN8A protein (p.Pro1119Leu). This variant is present in population databases (rs372096102, gnomAD 0.001%). This variant has not been reported in the literature in individuals affected with SCN8A-related conditions. ClinVar contains an entry for this variant (Variation ID: 207112). Advanced modeling of protein sequence and biophysical properties (such as structural, functional, and spatial information, amino acid conservation, physicochemical variation, residue mobility, and thermodynamic stability) performed at Invitae indicates that this missense variant is not expected to disrupt SCN8A protein function with a negative predictive value of 95%. In summary, the available evidence is currently insufficient to determine the role of this variant in disease. Therefore, it has been classified as a Variant of Uncertain Significance.

PreventionGenetics, part of Exact Sciences
Classification: Uncertain significance for SCN8A-related condition. Last evaluated: 2023-01-31. Review status: criteria provided, single submitter. Criteria: ACMG Guidelines, 2015. Collection method: clinical testing. Allele origin: germline.
Comment: The SCN8A c.3356C>T variant is predicted to result in the amino acid substitution p.Pro1119Leu. To our knowledge, this variant has not been reported in the literature or in a large population database, indicating this variant is rare. At this time, the clinical significance of this variant is uncertain due to the absence of conclusive functional and genetic evidence.

Ambry Genetics
Classification: Uncertain significance for Inborn genetic diseases. Last evaluated: 2023-01-10. Review status: criteria provided, single submitter. Criteria: Ambry Variant Classification Scheme 2023. Collection method: clinical testing. Allele origin: germline.

Revvity Omics, Revvity
Classification: Uncertain significance. Last evaluated: 2020-09-02. Review status: criteria provided, single submitter. Criteria: ACMG Guidelines, 2015. Collection method: clinical testing. Allele origin: germline.

Cambridge Genomics Laboratory, East Genomic Laboratory Hub, NHS Genomic Medicine Service
Classification: Uncertain significance for Hereditary ataxia. Last evaluated: 2019-07-23. Review status: criteria provided, single submitter. Criteria: ACGS Best Practice Guidelines for Variant Classification in Rare Disease 2020. Collection method: clinical testing. Allele origin: germline. Affected: yes. Observed: 1 variant allele.

GeneDx
Classification: Uncertain significance. Last evaluated: 2015-11-19. Review status: criteria provided, single submitter. Criteria: GeneDx Variant Classification (06012015). Collection method: clinical testing. Allele origin: germline. Affected: yes.
Comment: p.Pro1119Leu (CCT>CTT): c.3356 C>T in exon 17 of the SCN8A gene (NM_014191.3) The P1119L missense change in the SCN8A gene has not been published as a mutation, nor has it been reported as a benign polymorphism to our knowledge. This variant is a semi-conservative amino acid substitution as Proline and Leucine are both uncharged, non-polar residues; however, the removal of a Proline, which has a unique ring structure, may alter the secondary structure of the protein. The variant alters a position between the second and third transmembrane domains that is not conserved across species, and in silico analysis is inconsistent with regard to the effect this variant may have on the protein structure/function. Therefore, based on the currently available information, it is unclear whether Pro1119Leu is a disease-causing mutation or a rare benign variant.The variant is found in INFANT-EPI panel(s).